The following is an entry in ClinVar:

NM_000179.3(MSH6):c.3647-11T>G

Gene: MSH6 (mutS homolog 6; plus strand). Cytogenetic location: 2p16.3.
Variant type: single nucleotide variant.
Coding change: c.3647-11T>G on transcript NM_000179.3 (MANE Select); 11 bases into the intron before coding-DNA position 3647, T replaced by G.
Molecular consequence: intron variant.
Genome position (GRCh38, 1-based): chr2:47,806,193, T>G. VCF-style: chr2-47806193-T-G. GRCh37 (hg19) VCF-style: chr2-48033332-T-G.
Other names: c.3647-11T>G (NM_001406809.1, NM_001406796.1, NM_001406808.1 and 1 more transcripts); c.2741-11T>G (NM_001406811.1, NM_001406814.1, NM_001281493.2 and 6 more transcripts); c.3350-11T>G (NM_001406805.1, NM_001406797.1, NM_001406801.1 and 10 more transcripts); c.3743-11T>G (NM_001406795.1, NM_001406802.1); c.3653-11T>G (NM_001406813.1); c.3122-11T>G (NM_001406807.1, NM_001406799.1, NM_001406806.1); c.3473-11T>G (NM_001406798.1); c.2783-11T>G (NM_001406803.1); and 7 more.
Identifiers: ClinVar variation 2726354 (VCV002726354.4), dbSNP rs750579775, ClinGen allele CA071702.
Genomic context (GRCh38, chr2:47,806,193, plus strand): 5'-ATTTTTGTTTTAATTCCTTTTTTGTTTTAATTCCTTTGAGTTACTTCCTTATGCATATTT[T>G]ACTTTAACAGGAAGAGGTACTGCAACATTTGATGGGACGGCAATAGCAAATGCAGTTGTT-3'

ClinVar aggregate classification (germline): Conflicting classifications of pathogenicity. Review status: criteria provided, conflicting classifications (1 of 4 stars). 2 submissions from 2 submitters: Uncertain significance (1); Likely benign (1). Last evaluated 2025-01-08.

Conditions:
Hereditary nonpolyposis colorectal neoplasms. Identifiers: MedGen C0009405, MeSH D003123.
Hereditary cancer-predisposing syndrome. Also called: Neoplastic Syndromes, Hereditary; Tumor predisposition; Hereditary neoplastic syndrome; Hereditary Cancer Syndrome. Identifiers: Orphanet 140162, MedGen C0027672, MeSH D009386, MONDO:0015356.

Allele frequency attached by ClinVar (database versions not stated): ExAC 0.00001; gnomAD 0.00001.
gnomAD v4.1: 4 of 1,613,382 alleles (0.00025%); highest among the groups gnomAD compares: Non-Finnish European, 0.00034%; no homozygotes.

Submissions (2):

Labcorp Genetics (formerly Invitae), Labcorp
Classification: Likely benign for Hereditary nonpolyposis colorectal neoplasms. Last evaluated: 2025-01-08. Review status: criteria provided, single submitter. Criteria: Invitae Variant Classification Sherloc (09022015). Collection method: clinical testing. Allele origin: germline.

Color Diagnostics, LLC DBA Color Health
Classification: Uncertain significance for Hereditary cancer-predisposing syndrome. Last evaluated: 2023-07-31. Review status: criteria provided, single submitter. Criteria: ACMG Guidelines, 2015. Collection method: clinical testing. Allele origin: germline.
Comment: This variant causes a T to G nucleotide substitution at the -11 position of intron 7 of the MSH6 gene. Splice site prediction tools suggest that this variant may not impact RNA splicing. To our knowledge, functional studies have not been reported for this variant. This variant has not been reported in an individual from a non-hereditary breast and colorectal cancer family (PMID: 19924528). This variant has been identified in 1/251106 chromosomes in the general population by the Genome Aggregation Database (gnomAD). The available evidence is insufficient to determine the role of this variant in disease conclusively. Therefore, this variant is classified as a Variant of Uncertain Significance.

Literature cited by the submitters: PubMed 19924528 (cited by Color Diagnostics, LLC DBA Color Health).